The following is an entry in ClinVar:

NM_005826.5(HNRNPR):c.1563A>T (p.Pro521=)

Gene: HNRNPR (heterogeneous nuclear ribonucleoprotein R; minus strand). Cytogenetic location: 1p36.12.
Variant type: single nucleotide variant.
Coding change: c.1563A>T on transcript NM_005826.5 (MANE Select); coding-DNA position 1563, A replaced by T.
Protein change: p.Pro521=; no amino-acid change (proline 521 retained).
Molecular consequence: synonymous variant.
Genome position (GRCh38, 1-based): chr1:23,310,793, T>A on the plus strand (A>T on the coding strand, the complement: HNRNPR is on the minus strand). VCF-style: chr1-23310793-T-A. GRCh37 (hg19) VCF-style: chr1-23637286-T-A.
Other names: c.1260A>T, p.Pro420= (NM_001102397.3); c.1572A>T, p.Pro524= (NM_001102398.3); c.1269A>T, p.Pro423= (NM_001102399.3); c.1449A>T, p.Pro483= (NM_001297620.2); c.1083A>T, p.Pro361= (NM_001297621.2); c.1146A>T, p.Pro382= (NM_001297622.2); c.1386A>T, p.Pro462= (NM_001437727.1); c.1563A>T, p.Pro521= (NM_001438564.1).
Identifiers: ClinVar variation 5038772 (VCV005038772.1).

ClinVar aggregate classification (germline): Likely benign (1 of 4 stars; one submission).

Submission:

CeGaT Center for Human Genetics Tuebingen
Classification: Likely benign. Last evaluated: 2026-09-01. Review status: criteria provided, single submitter. Criteria: CeGaT Center For Human Genetics Tuebingen Variant Classification Criteria Version 2. Collection method: clinical testing. Allele origin: germline. Affected: yes. Observed: 1 variant allele.
Comment: HNRNPR: PM2:Supporting, BP4, BP7